The following is an entry in ClinVar:

NM_005732.4(RAD50):c.1958C>A (p.Ser653Ter)

Gene: RAD50 (RAD50 double strand break repair protein; plus strand). Cytogenetic location: 5q31.1.
Variant type: single nucleotide variant.
Coding change: c.1958C>A on transcript NM_005732.4 (MANE Select); coding-DNA position 1958, C replaced by A.
Protein change: p.Ser653Ter; replaces serine 653 with a stop codon.
Molecular consequence: nonsense.
Genome position (GRCh38, 1-based): chr5:132,595,033, C>A. VCF-style: chr5-132595033-C-A. GRCh37 (hg19) VCF-style: chr5-131930725-C-A.
Other names: short protein forms S653*.
Identifiers: ClinVar variation 141646 (VCV000141646.23), dbSNP rs587781904, ClinGen allele CA333219.

ClinVar aggregate classification (germline): Pathogenic. Review status: criteria provided, multiple submitters, no conflicts (2 of 4 stars). 5 submissions from 5 submitters: Pathogenic (4). 1 of the submissions does not count toward it. Last evaluated 2025-09-28.

Conditions:
RAD50-related disorder. Also called: RAD50-related condition.
Hereditary cancer-predisposing syndrome. Also called: Neoplastic Syndromes, Hereditary; Tumor predisposition; Hereditary Cancer Syndrome; Hereditary neoplastic syndrome. Identifiers: Orphanet 140162, MedGen C0027672, MeSH D009386, MONDO:0015356.
Nijmegen breakage syndrome-like disorder (NBSLD). Also called: MICROCEPHALY AND SPONTANEOUS CHROMOSOME INSTABILITY WITHOUT IMMUNODEFICIENCY; NBS-LIKE DISORDER; RAD50 DEFICIENCY. Identifiers: Orphanet 240760, MedGen C2751318, MONDO:0013118, OMIM 613078.

Allele frequency attached by ClinVar (database versions not stated): gnomAD 0.00001; gnomAD exomes 0.00002 and 0.00004; TOPMed 0.00002; ExAC 0.00004.
gnomAD v4.1: 57 of 1,612,458 alleles (0.0035%); highest among the groups gnomAD compares: Non-Finnish European, 0.0045%; no homozygotes.

Submissions (5):

Labcorp Genetics (formerly Invitae), Labcorp
Classification: Pathogenic for Hereditary cancer-predisposing syndrome. Last evaluated: 2025-09-28. Review status: criteria provided, single submitter. Criteria: Invitae Variant Classification Sherloc (09022015). Collection method: clinical testing. Allele origin: germline.
Comment: This sequence change creates a premature translational stop signal (p.Ser653*) in the RAD50 gene. It is expected to result in an absent or disrupted protein product. Loss-of-function variants in RAD50 are known to be pathogenic (PMID: 19409520). This variant is present in population databases (rs587781904, gnomAD 0.005%). This premature translational stop signal has been observed in individual(s) with prostate cancer (PMID: 32338768). ClinVar contains an entry for this variant (Variation ID: 141646). Studies have shown that this premature translational stop signal is associated with inconclusive levels of altered splicing (Internal data). For these reasons, this variant has been classified as Pathogenic.

Baylor Genetics
Classification: Pathogenic for Nijmegen breakage syndrome-like disorder. Last evaluated: 2023-11-29. Review status: criteria provided, single submitter. Criteria: ACMG Guidelines, 2015. Collection method: clinical testing. Allele origin: unknown.

Ambry Genetics
Classification: Pathogenic for Hereditary cancer-predisposing syndrome. Last evaluated: 2022-09-27. Review status: criteria provided, single submitter. Criteria: Ambry Variant Classification Scheme 2023. Collection method: clinical testing. Allele origin: germline.
Comment: The p.S653* pathogenic mutation (also known as c.1958C>A), located in coding exon 12 of the RAD50 gene, results from a C to A substitution at nucleotide position 1958. This changes the amino acid from a serine to a stop codon within coding exon 12. This alteration was observed in 1/1997 healthy controls and was not observed in 2000 breast cancer cases in one cohort (Thompson ER et al. J. Clin. Oncol. 2016 May;34(13):1455-9). This alteration is expected to result in loss of function by premature protein truncation or nonsense-mediated mRNA decay. As such, this alteration is interpreted as a disease-causing mutation.

Revvity Omics, Revvity
Classification: Pathogenic for Nijmegen breakage syndrome-like disorder. Last evaluated: 2019-04-24. Review status: criteria provided, single submitter. Criteria: ACMG Guidelines, 2015. Collection method: clinical testing. Allele origin: germline.

PreventionGenetics, part of Exact Sciences
Classification: Pathogenic for RAD50-related condition. Last evaluated: 2024-03-01. Review status: no assertion criteria provided. Collection method: clinical testing. Allele origin: germline. Not counted in ClinVar's aggregate classification.
Comment: The RAD50 c.1958C>A variant is predicted to result in premature protein termination (p.Ser653*). This variant has been observed in an individual with non-aggressive prostate, ovarian, breast cancer (Supplemental Table 1, Nguyen-Dumont et al. 2020. PubMed ID: 32338768; Table S7, Lilyquist et al. 2017. PubMed ID: 28888541; Southey et al. 2021. PubMed ID: 34887416). This variant has been reported in ClinVar as pathogenic. This variant is reported in 0.0035% of alleles in individuals of European (Non-Finnish) descent in gnomAD. Nonsense variants in RAD50 are expected to be pathogenic. This variant is interpreted as pathogenic.

Literature cited by the submitters: PubMed 19409520 (cited by Labcorp Genetics (formerly Invitae), Labcorp); PubMed 32338768 (cited by Labcorp Genetics (formerly Invitae), Labcorp); PubMed 26786923 (cited by Ambry Genetics); PubMed 28152038 (cited by Ambry Genetics).